The following is an entry in ClinVar:

ClinVar aggregate classification (germline): Uncertain significance (1 of 4 stars; one submission).

Conditions:
Mitochondrial complex II deficiency, nuclear type 1. Also called: SUCCINATE CoQ REDUCTASE DEFICIENCY. Identifiers: Orphanet 3208, MedGen C5700310, MONDO:0100294, OMIM 252011.
Pheochromocytoma/paraganglioma syndrome 5. Also called: Paragangliomas 5; SDHA-Related Hereditary Paraganglioma-Pheochromocytoma Syndrome. Identifiers: Orphanet 29072, MedGen C3279992, MONDO:0013602, OMIM 614165.

Allele frequency attached by ClinVar (database versions not stated): ExAC 0.00001.
gnomAD v4.1: 5 of 1,614,070 alleles (0.00031%); highest among the groups gnomAD compares: South Asian, 0.0055%; 1 homozygote.

Submission:

Labcorp Genetics (formerly Invitae), Labcorp
Classification: Uncertain significance for Pheochromocytoma/paraganglioma syndrome 5; Mitochondrial complex II deficiency, nuclear type 1. Last evaluated: 2025-11-20. Review status: criteria provided, single submitter. Criteria: Invitae Variant Classification Sherloc (09022015). Collection method: clinical testing. Allele origin: germline.
Comment: This sequence change replaces threonine, which is neutral and polar, with serine, which is neutral and polar, at codon 348 of the SDHA protein (p.Thr348Ser). This variant is present in population databases (rs779264373, gnomAD 0.006%). This variant has not been reported in the literature in individuals affected with SDHA-related conditions. ClinVar contains an entry for this variant (Variation ID: 2947344). Invitae Evidence Modeling of protein sequence and biophysical properties (such as structural, functional, and spatial information, amino acid conservation, physicochemical variation, residue mobility, and thermodynamic stability) indicates that this missense variant is not expected to disrupt SDHA protein function with a negative predictive value of 95%. In summary, the available evidence is currently insufficient to determine the role of this variant in disease. Therefore, it has been classified as a Variant of Uncertain Significance.

NM_004168.4(SDHA):c.1043C>G (p.Thr348Ser)

Gene: SDHA (succinate dehydrogenase complex flavoprotein subunit A; plus strand). Cytogenetic location: 5p15.33.
Variant type: single nucleotide variant.
Coding change: c.1043C>G on transcript NM_004168.4 (MANE Select); coding-DNA position 1043, C replaced by G.
Protein change: p.Thr348Ser; replaces threonine 348 with serine.
Molecular consequence: missense variant.
Genome position (GRCh38, 1-based): chr5:233,624, C>G. VCF-style: chr5-233624-C-G. GRCh37 (hg19) VCF-style: chr5-233739-C-G.
Other names: c.899C>G, p.Thr300Ser (NM_001294332.2); c.1043C>G, p.Thr348Ser (NM_001330758.2); short protein forms T348S, T300S.
Identifiers: ClinVar variation 2947344 (VCV002947344.3), dbSNP rs779264373, ClinGen allele CA3173070.